The following is an entry in ClinVar:

ClinVar aggregate classification (germline): Uncertain significance. Review status: criteria provided, multiple submitters, no conflicts (2 of 4 stars). 2 submissions from 2 submitters: Uncertain significance (2). Last evaluated 2021-06-01.

Conditions:
Amyotrophic lateral sclerosis type 8 (ALS8). Identifiers: Orphanet 803, MedGen C1837728, MONDO:0012077, OMIM 608627.
Adult-onset proximal spinal muscular atrophy, autosomal dominant. Also called: FINKEL LATE-ADULT TYPE SMA; Spinal muscular atrophy, late-onset, finkel type. Identifiers: Orphanet 209335, MedGen C1854058, MONDO:0008453, OMIM 182980.

Submissions (2):

CeGaT Center for Human Genetics Tuebingen
Classification: Uncertain significance. Last evaluated: 2021-06-01. Review status: criteria provided, single submitter. Criteria: CeGaT Center For Human Genetics Tuebingen Variant Classification Criteria Version 2. Collection method: clinical testing. Allele origin: germline. Affected: yes. Observed: 1 variant allele.

Labcorp Genetics (formerly Invitae), Labcorp
Classification: Uncertain significance for Adult-onset proximal spinal muscular atrophy, autosomal dominant; Amyotrophic lateral sclerosis type 8. Last evaluated: 2020-02-18. Review status: criteria provided, single submitter. Criteria: Invitae Variant Classification Sherloc (09022015). Collection method: clinical testing. Allele origin: germline.
Comment: This sequence change replaces proline with leucine at codon 12 of the VAPB protein (p.Pro12Leu). The proline residue is moderately conserved and there is a moderate physicochemical difference between proline and leucine. This variant is not present in population databases (ExAC no frequency). This variant has not been reported in the literature in individuals with VAPB-related conditions. Algorithms developed to predict the effect of missense changes on protein structure and function are either unavailable or do not agree on the potential impact of this missense change (SIFT: "Not available"; PolyPhen-2: "Benign"; Align-GVGD: "Not available"). In summary, the available evidence is currently insufficient to determine the role of this variant in disease. Therefore, it has been classified as a Variant of Uncertain Significance.

NM_004738.5(VAPB):c.35C>T (p.Pro12Leu)

Gene: VAPB (VAMP associated protein B and C; plus strand). Cytogenetic location: 20q13.32.
Variant type: single nucleotide variant.
Coding change: c.35C>T on transcript NM_004738.5 (MANE Select); coding-DNA position 35, C replaced by T.
Protein change: p.Pro12Leu; replaces proline 12 with leucine.
Molecular consequence: missense variant. On other transcripts: non-coding transcript variant (1).
Genome position (GRCh38, 1-based): chr20:58,389,494, C>T. VCF-style: chr20-58389494-C-T. GRCh37 (hg19) VCF-style: chr20-56964550-C-T.
Other names: c.35C>T, p.Pro12Leu (NM_001195677.2); short protein forms P12L.
Identifiers: ClinVar variation 1015007 (VCV001015007.41), dbSNP rs1987730075, ClinGen allele CA409439973.